The following is an entry in ClinVar:

NM_032119.4(ADGRV1):c.15870AGA[2] (p.Glu5292del)

Gene: ADGRV1 (adhesion G protein-coupled receptor V1; plus strand). Cytogenetic location: 5q14.3.
Variant type: Microsatellite.
Coding change: c.15870AGA[2] on transcript NM_032119.4 (MANE Select); two copies in a row of the 3-base unit AGA starting at c.15870; the reference has three copies in a row; one copy, 3 bases deleted.
Protein change: p.Glu5292del; deletes glutamic acid 5292.
Molecular consequence: non-coding transcript variant (on NR_003149.2).
Genome position (GRCh38, 1-based): chr5:90,811,136-90,811,138, AGA deleted; deleting any 3 consecutive bases within chr5:90,811,128-90,811,138 gives the same sequence; the position shown is the placement nearest the transcript's 3' end. VCF-style (leftmost placement, unchanged base first): chr5-90811127-TGAA-T. GRCh37 (hg19) VCF-style: chr5-90106944-TGAA-T.
Other names: c.15876_15878delAGA (NM_032119.4); short protein forms E5292del.
Identifiers: ClinVar variation 4847166 (VCV004847166.1).
Genomic context (GRCh38, chr5:90,811,127, plus strand): 5'-GGAACCAAATGCATTGCCCTTTCGTGGTATCTATGGGATTTCCAACCTAACATGGGCAGT[TGAA>T]GAAGAAGACTTTGAAGAACAAACTCTTACCCTTATATTCCTAGATGGAGAAAGAGAACGT-3'

ClinVar aggregate classification (germline): Uncertain significance (1 of 4 stars; one submission).

Submission:

Women's Health and Genetics/Laboratory Corporation of America, LabCorp
Classification: Uncertain significance. Last evaluated: 2026-03-17. Review status: criteria provided, single submitter. Criteria: LabCorp Variant Classification Summary - May 2015. Collection method: clinical testing. Allele origin: germline.
Comment: Variant summary: ADGRV1 c.15876_15878delAGA (p.Glu5292del) results in an in-frame deletion that is predicted to remove one amino acid from the encoded protein. The variant was absent in 249042 control chromosomes (gnomAD). The available data on variant occurrences in the general population are insufficient to allow any conclusion about variant significance. To our knowledge, no occurrence of c.15876_15878delAGA in individuals affected with ADGRV1-related conditions and no experimental evidence demonstrating its impact on protein function have been reported. No submitters have cited clinical-significance assessments for this variant to ClinVar. Based on the evidence outlined above, the variant was classified as uncertain significance.